The following is an entry in ClinVar:

ClinVar aggregate classification (germline): Uncertain significance. Review status: criteria provided, multiple submitters, no conflicts (2 of 4 stars). 3 submissions from 3 submitters: Uncertain significance (3). Last evaluated 2025-11-19.

Conditions:
Congenital muscular dystrophy due to integrin alpha-7 deficiency. Also called: MYOPATHY, CONGENITAL, DUE TO INTEGRIN ALPHA-7 DEFICIENCY; Congenital muscular dystrophy with integrin alpha-7 deficiency; Muscular dystrophy, congenital, due to ITGA7 deficiency. Identifiers: Orphanet 34520, MedGen C2750786, MONDO:0013177, OMIM 613204.

Allele frequency attached by ClinVar (database versions not stated): gnomAD 0.00001; gnomAD exomes 0.00001; TOPMed 0.00001; ExAC 0.00002.
gnomAD v4.1: 10 of 1,613,990 alleles (0.00062%); highest among the groups gnomAD compares: Non-Finnish European, 0.00076%; no homozygotes.

Submissions (3):

Ambry Genetics
Classification: Uncertain significance. Last evaluated: 2025-11-19. Review status: criteria provided, single submitter. Criteria: Ambry Variant Classification Scheme 2023. Collection method: clinical testing. Allele origin: germline.

Labcorp Genetics (formerly Invitae), Labcorp
Classification: Uncertain significance for Congenital muscular dystrophy due to integrin alpha-7 deficiency. Last evaluated: 2022-07-26. Review status: criteria provided, single submitter. Criteria: Invitae Variant Classification Sherloc (09022015). Collection method: clinical testing. Allele origin: germline.
Comment: This sequence change replaces alanine, which is neutral and non-polar, with threonine, which is neutral and polar, at codon 302 of the ITGA7 protein (p.Ala302Thr). This variant is present in population databases (rs750041574, gnomAD 0.003%). This variant has not been reported in the literature in individuals affected with ITGA7-related conditions. ClinVar contains an entry for this variant (Variation ID: 1425898). Algorithms developed to predict the effect of missense changes on protein structure and function are either unavailable or do not agree on the potential impact of this missense change (SIFT: "Tolerated"; PolyPhen-2: "Possibly Damaging"; Align-GVGD: "Class C0"). In summary, the available evidence is currently insufficient to determine the role of this variant in disease. Therefore, it has been classified as a Variant of Uncertain Significance.

Breakthrough Genomics
Classification: Uncertain significance. Review status: criteria provided, single submitter. Criteria: ACMG Guidelines, 2015. Collection method: not provided. Allele origin: germline. Inheritance: Autosomal recessive inheritance. Affected: yes.

NM_002206.3(ITGA7):c.904G>A (p.Ala302Thr)

Gene: ITGA7 (integrin subunit alpha 7; minus strand). Cytogenetic location: 12q13.2.
Variant type: single nucleotide variant.
Coding change: c.904G>A on transcript NM_002206.3 (MANE Select); coding-DNA position 904, G replaced by A.
Protein change: p.Ala302Thr; replaces alanine 302 with threonine.
Molecular consequence: missense variant. On other transcripts: 5 prime UTR variant (1).
Genome position (GRCh38, 1-based): chr12:55,698,804, C>T on the plus strand (G>A on the coding strand, the complement: ITGA7 is on the minus strand). VCF-style: chr12-55698804-C-T. GRCh37 (hg19) VCF-style: chr12-56092588-C-T.
Other names: c.1036G>A, p.Ala346Thr (NM_001410977.1); c.916G>A, p.Ala306Thr (NM_001414029.1, NM_001414030.1, NM_001144996.2); c.904G>A, p.Ala302Thr (NM_001414031.1, NM_001374465.1, NM_001414034.1); c.625G>A, p.Ala209Thr (NM_001144997.2); c.784G>A, p.Ala262Thr (NM_001414032.1); c.721G>A, p.Ala241Thr (NM_001414033.1); c.577G>A, p.Ala193Thr (NM_001367993.1); c.-389G>A (NM_001367994.1); and 1 more; short protein forms A209T, A302T, A306T, A193T, A346T, A241T, A262T, A189T.
Identifiers: ClinVar variation 1425898 (VCV001425898.6), dbSNP rs750041574, ClinGen allele CA6616116.